The following is an entry in ClinVar:

NM_006361.6(HOXB13):c.410A>G (p.Tyr137Cys)

Gene: HOXB13 (homeobox B13; minus strand). Cytogenetic location: 17q21.32.
Variant type: single nucleotide variant.
Coding change: c.410A>G on transcript NM_006361.6 (MANE Select); coding-DNA position 410, A replaced by G.
Protein change: p.Tyr137Cys; replaces tyrosine 137 with cysteine.
Molecular consequence: missense variant.
Genome position (GRCh38, 1-based): chr17:48,728,184, T>C on the plus strand (A>G on the coding strand, the complement: HOXB13 is on the minus strand). VCF-style: chr17-48728184-T-C. GRCh37 (hg19) VCF-style: chr17-46805546-T-C.
Other names: c.410A>G (NM_006361.5); short protein forms Y137C.
Identifiers: ClinVar variation 1039376 (VCV001039376.9), dbSNP rs770891609, ClinGen allele CA400107516.

ClinVar aggregate classification (germline): Uncertain significance. Review status: criteria provided, multiple submitters, no conflicts (2 of 4 stars). 2 submissions from 2 submitters: Uncertain significance (2). Last evaluated 2025-05-29.

Conditions:
Hereditary cancer-predisposing syndrome. Also called: Neoplastic Syndromes, Hereditary; Hereditary Cancer Syndrome; Tumor predisposition; Hereditary neoplastic syndrome. Identifiers: Orphanet 140162, MedGen C0027672, MeSH D009386, MONDO:0015356.

Allele frequency attached by ClinVar (database versions not stated): gnomAD exomes below 0.00001; TOPMed below 0.00001.
gnomAD v4.1: 2 of 1,613,980 alleles (0.00012%); highest among the groups gnomAD compares: African/African-American, 0.0013%; no homozygotes.

Submissions (2):

Ambry Genetics
Classification: Uncertain significance for Hereditary cancer-predisposing syndrome. Last evaluated: 2025-05-29. Review status: criteria provided, single submitter. Criteria: Ambry Variant Classification Scheme 2023. Collection method: clinical testing. Allele origin: germline.
Comment: The p.Y137C variant (also known as c.410A>G), located in coding exon 1 of the HOXB13 gene, results from an A to G substitution at nucleotide position 410. The tyrosine at codon 137 is replaced by cysteine, an amino acid with highly dissimilar properties. This amino acid position is highly conserved in available vertebrate species. In addition, this alteration is predicted to be deleterious by in silico analysis. Based on the available evidence, the clinical significance of this variant remains unclear.

Labcorp Genetics (formerly Invitae), Labcorp
Classification: Uncertain significance. Last evaluated: 2025-01-26. Review status: criteria provided, single submitter. Criteria: Invitae Variant Classification Sherloc (09022015). Collection method: clinical testing. Allele origin: germline.
Comment: This sequence change replaces tyrosine, which is neutral and polar, with cysteine, which is neutral and slightly polar, at codon 137 of the HOXB13 protein (p.Tyr137Cys). This variant is present in population databases (no rsID available, gnomAD no frequency). This variant has not been reported in the literature in individuals affected with HOXB13-related conditions. ClinVar contains an entry for this variant (Variation ID: 1039376). Invitae Evidence Modeling of protein sequence and biophysical properties (such as structural, functional, and spatial information, amino acid conservation, physicochemical variation, residue mobility, and thermodynamic stability) indicates that this missense variant is not expected to disrupt HOXB13 protein function with a negative predictive value of 80%. In summary, the available evidence is currently insufficient to determine the role of this variant in disease. Therefore, it has been classified as a Variant of Uncertain Significance.